The following is an entry in ClinVar:

NM_002875.5(RAD51):c.20T>C (p.Leu7Pro)

Gene: RAD51 (RAD51 recombinase; plus strand). Cytogenetic location: 15q15.1.
Variant type: single nucleotide variant.
Coding change: c.20T>C on transcript NM_002875.5 (MANE Select); coding-DNA position 20, T replaced by C.
Protein change: p.Leu7Pro; replaces leucine 7 with proline.
Molecular consequence: missense variant.
Genome position (GRCh38, 1-based): chr15:40,698,778, T>C. VCF-style: chr15-40698778-T-C. GRCh37 (hg19) VCF-style: chr15-40990976-T-C.
Other names: c.20T>C, p.Leu7Pro (NM_001164269.2, NM_001164270.2, NM_133487.4); short protein forms L7P.
Identifiers: ClinVar variation 2875220 (VCV002875220.3), dbSNP rs1894810858, ClinGen allele CA391744099.

ClinVar aggregate classification (germline): Uncertain significance (1 of 4 stars; one submission).

Allele frequency attached by ClinVar (database versions not stated): gnomAD exomes below 0.00001; gnomAD 0.00001.
gnomAD v4.1: 3 of 1,614,044 alleles (0.00019%); highest among the groups gnomAD compares: Non-Finnish European, 0.00025%; no homozygotes.

Submission:

Labcorp Genetics (formerly Invitae), Labcorp
Classification: Uncertain significance. Last evaluated: 2023-06-09. Review status: criteria provided, single submitter. Criteria: Invitae Variant Classification Sherloc (09022015). Collection method: clinical testing. Allele origin: germline.
Comment: This sequence change replaces leucine, which is neutral and non-polar, with proline, which is neutral and non-polar, at codon 7 of the RAD51 protein (p.Leu7Pro). This variant is not present in population databases (gnomAD no frequency). This variant has not been reported in the literature in individuals affected with RAD51-related conditions. An algorithm developed to predict the effect of missense changes on protein structure and function (PolyPhen-2) suggests that this variant is likely to be tolerated. In summary, the available evidence is currently insufficient to determine the role of this variant in disease. Therefore, it has been classified as a Variant of Uncertain Significance.